The following is an entry in ClinVar:

NM_015910.7(WDPCP):c.1186A>C (p.Ser396Arg)

Gene: WDPCP (WD repeat containing planar cell polarity effector; minus strand). Cytogenetic location: 2p15.
Variant type: single nucleotide variant.
Coding change: c.1186A>C on transcript NM_015910.7 (MANE Select); coding-DNA position 1186, A replaced by C.
Protein change: p.Ser396Arg; replaces serine 396 with arginine.
Molecular consequence: missense variant. On other transcripts: non-coding transcript variant (3).
Genome position (GRCh38, 1-based): chr2:63,404,297, T>G on the plus strand (A>C on the coding strand, the complement: WDPCP is on the minus strand). VCF-style: chr2-63404297-T-G. GRCh37 (hg19) VCF-style: chr2-63631432-T-G.
Other names: c.709A>C, p.Ser237Arg (NM_001042692.3); c.1114A>C, p.Ser372Arg (NM_001354044.2); c.1186A>C, p.Ser396Arg (NM_001354045.2); c.1186A>C (NM_015910.5); short protein forms S396R, S372R, S237R.
Identifiers: ClinVar variation 1466870 (VCV001466870.9), dbSNP rs936904170, ClinGen allele CA49233675.

ClinVar aggregate classification (germline): Uncertain significance. Review status: criteria provided, multiple submitters, no conflicts (2 of 4 stars). 2 submissions from 2 submitters: Uncertain significance (2). Last evaluated 2025-12-02.

Conditions:
WDPCP-related disorder. Also called: WDPCP-related condition.
Bardet-Biedl syndrome (BBS). Identifiers: Orphanet 110, MedGen C0752166, MONDO:0015229.

Allele frequency attached by ClinVar (database versions not stated): gnomAD 0.00001; TOPMed 0.00001.
gnomAD v4.1: 1 of 1,614,064 alleles (0.000062%); highest among the groups gnomAD compares: African/African-American, 0.0013%; no homozygotes.

Submissions (2):

PreventionGenetics, part of Exact Sciences
Classification: Uncertain significance for WDPCP-related condition. Last evaluated: 2025-12-02. Review status: criteria provided, single submitter. Criteria: ACMG Guidelines, 2015. Collection method: clinical testing. Allele origin: germline.
Comment: The WDPCP c.1186A>C variant is predicted to result in the amino acid substitution p.Ser396Arg. To our knowledge, this variant has not been reported in the literature or in a large population database (gnomAD), indicating this variant is rare. At this time, the clinical significance of this variant is uncertain due to the absence of conclusive functional and genetic evidence.

Labcorp Genetics (formerly Invitae), Labcorp
Classification: Uncertain significance for Bardet-Biedl syndrome. Last evaluated: 2022-11-01. Review status: criteria provided, single submitter. Criteria: Invitae Variant Classification Sherloc (09022015). Collection method: clinical testing. Allele origin: germline.
Comment: In summary, the available evidence is currently insufficient to determine the role of this variant in disease. Therefore, it has been classified as a Variant of Uncertain Significance. Advanced modeling of protein sequence and biophysical properties (such as structural, functional, and spatial information, amino acid conservation, physicochemical variation, residue mobility, and thermodynamic stability) performed at Invitae indicates that this missense variant is expected to disrupt WDPCP protein function. This sequence change replaces serine, which is neutral and polar, with arginine, which is basic and polar, at codon 396 of the WDPCP protein (p.Ser396Arg). This variant is not present in population databases (gnomAD no frequency). This variant has not been reported in the literature in individuals affected with WDPCP-related conditions. ClinVar contains an entry for this variant (Variation ID: 1466870).